The following is an entry in ClinVar:

ClinVar aggregate classification (germline): Uncertain significance (1 of 4 stars; one submission).

Submission:

Dasa
Classification: Uncertain significance. Last evaluated: 2026-04-21. Review status: criteria provided, single submitter. Criteria: DASA Assertion Criteria. Collection method: clinical testing. Allele origin: germline.
Comment: NM_001005498.4(RHBDF2):c.-219-10T>C is an intronic variant. This variant is rare in population databases. The currently available literature and clinical evidence are not sufficient to establish a definitive association between this variant and the reported condition. Therefore, this variant is classified as a variant of uncertain significance.

NM_001005498.4(RHBDF2):c.-219-10T>C

Gene: RHBDF2 (rhomboid 5 homolog 2; minus strand). Cytogenetic location: 17q25.1.
Variant type: single nucleotide variant.
Coding change: c.-219-10T>C on transcript NM_001005498.4 (MANE Select); 10 bases into the intron before 219 bases upstream of the start codon, T replaced by C.
Molecular consequence: intron variant. On other transcripts: 5 prime UTR variant (1).
Genome position (GRCh38, 1-based): chr17:76,487,919, A>G on the plus strand (T>C on the coding strand, the complement: RHBDF2 is on the minus strand). VCF-style: chr17-76487919-A-G. GRCh37 (hg19) VCF-style: chr17-74484001-A-G.
Other names: c.-229T>C (NM_001376229.1); c.-219-10T>C (NM_024599.5, NM_001376228.1); c.-431-10T>C (NM_001376230.1).
Identifiers: ClinVar variation 4883483 (VCV004883483.2).